The following is an entry in ClinVar:

NM_181784.3(SPRED2):c.136G>T (p.Val46Phe)

Gene: SPRED2 (sprouty related EVH1 domain containing 2; minus strand). Cytogenetic location: 2p14.
Variant type: single nucleotide variant.
Coding change: c.136G>T on transcript NM_181784.3 (MANE Select); coding-DNA position 136, G replaced by T.
Protein change: p.Val46Phe; replaces valine 46 with phenylalanine.
Molecular consequence: missense variant.
Genome position (GRCh38, 1-based): chr2:65,344,787, C>A on the plus strand (G>T on the coding strand, the complement: SPRED2 is on the minus strand). VCF-style: chr2-65344787-C-A. GRCh37 (hg19) VCF-style: chr2-65571921-C-A.
Other names: c.127G>T, p.Val43Phe (NM_001128210.2); short protein forms V43F, V46F.
Identifiers: ClinVar variation 5006318 (VCV005006318.2).

ClinVar aggregate classification (germline): Uncertain significance (1 of 4 stars; one submission).

Conditions:
Noonan syndrome 14 (NS14). Identifiers: MedGen C5676916, MONDO:0030679, OMIM 619745.

Submission:

Juno Genomics, Hangzhou Juno Genomics, Inc
Classification: Uncertain significance for Noonan syndrome 14. Review status: criteria provided, single submitter. Criteria: ACMG Guidelines, 2015. Collection method: clinical testing. Allele origin: germline.
Comment: Absent from controls (or at extremely low frequency if recessive) in Genome Aggregation Database.;Multiple lines of computational evidence support a deleterious effect on the gene or gene product.